The following is an entry in ClinVar:

NM_020207.7(ERCC6L2):c.4540A>G (p.Arg1514Gly)

Gene: ERCC6L2 (ERCC excision repair 6 like 2; plus strand). Cytogenetic location: 9q22.32.
Variant type: single nucleotide variant.
Coding change: c.4540A>G on transcript NM_020207.7 (MANE Select); coding-DNA position 4540, A replaced by G.
Protein change: p.Arg1514Gly; replaces arginine 1514 with glycine.
Molecular consequence: missense variant. On other transcripts: non-coding transcript variant (1), intron variant (2).
Genome position (GRCh38, 1-based): chr9:96,013,090, A>G. VCF-style: chr9-96013090-A-G. GRCh37 (hg19) VCF-style: chr9-98775372-A-G.
Other names: c.3674+8389A>G (NM_001375291.1, NM_001375292.1); short protein forms R1514G.
Identifiers: ClinVar variation 1337954 (VCV001337954.4), dbSNP rs1018726740, ClinGen allele CA196591549.

ClinVar aggregate classification (germline): Uncertain significance (1 of 4 stars; one submission).

Allele frequency attached by ClinVar (database versions not stated): gnomAD exomes 0.00001.
gnomAD v4.1: 3 of 1,367,680 alleles (0.00022%); highest among the groups gnomAD compares: Non-Finnish European, 0.00029%; no homozygotes.

Submission:

Genetic Services Laboratory, University of Chicago
Classification: Uncertain significance. Last evaluated: 2021-06-10. Review status: criteria provided, single submitter. Criteria: ACMG Guidelines, 2015. Collection method: clinical testing. Allele origin: germline. Affected: no.
Comment: DNA sequence analysis of the ERCC6L2 gene demonstrated a sequence change, c.4573A>G, in exon 19 that results in an amino acid change, p.Arg1525Gly. This sequence change has not been described in known population databases (dbSNP rs1018726740). The p.Arg1525Gly change affects a poorly conserved amino acid residue located in a domain of the ERCC6L2 protein that is not known to be functional. The p.Arg1525Gly substitution appears to be benign using several in-silico pathogenicity prediction tools (SIFT, Align GVGD, REVEL). This sequence change does not appear to have been previously described in patients with ERCC6L2-related disorders. Due to insufficient evidences and the lack of functional studies, the clinical significance of the p.Arg1525Gly change remains unknown at this time.